The following is an entry in ClinVar:

ClinVar aggregate classification (germline): Pathogenic/Likely pathogenic. Review status: criteria provided, multiple submitters, no conflicts (2 of 4 stars). 5 submissions from 5 submitters: Pathogenic (3); Likely pathogenic (2). Last evaluated 2025-11-08.

Conditions:
Fanconi anemia complementation group D2. Also called: FANCD2-Related Fanconi Anemia; FANCONI PANCYTOPENIA, TYPE 4; FANCONI ANEMIA, COMPLEMENTATION GROUP D. Identifiers: Orphanet 84, MedGen C3160738, MONDO:0009214, OMIM 227646.
Fanconi anemia (FA). Also called: Fanconi's anemia. Identifiers: Orphanet 84, MedGen C0015625, MeSH D005199, MONDO:0019391.

Allele frequency attached by ClinVar (database versions not stated): gnomAD exomes below 0.00001; ExAC 0.00001; gnomAD 0.00001.

Submissions (5):

Labcorp Genetics (formerly Invitae), Labcorp
Classification: Pathogenic for Fanconi anemia. Last evaluated: 2025-11-08. Review status: criteria provided, single submitter. Criteria: Invitae Variant Classification Sherloc (09022015). Collection method: clinical testing. Allele origin: germline.
Comment: This sequence change creates a premature translational stop signal (p.Ile360Trpfs*8) in the FANCD2 gene. It is expected to result in an absent or disrupted protein product. Loss-of-function variants in FANCD2 are known to be pathogenic (PMID: 17436244). This variant is present in population databases (rs763733996, gnomAD 0.01%). This premature translational stop signal has been observed in individual(s) with head and neck carcinoma (PMID: 28678401). ClinVar contains an entry for this variant (Variation ID: 935595). For these reasons, this variant has been classified as Pathogenic.

GeneDx
Classification: Likely pathogenic. Last evaluated: 2025-05-12. Review status: criteria provided, single submitter. Criteria: GeneDx Variant Classification Process June 2021. Collection method: clinical testing. Allele origin: germline. Affected: yes.
Comment: Observed in individuals with a personal or family history including renal cancer and head and neck squamous cell carcinoma (PMID: 28678401, 29625052, 38496821); Frameshift variant predicted to result in protein truncation or nonsense mediated decay in a gene for which loss of function is a known mechanism of disease; Not observed at significant frequency in large population cohorts (gnomAD); This variant is associated with the following publications: (PMID: 28678401, 29625052, 36451132, 38496821)

Baylor Genetics
Classification: Pathogenic for Fanconi anemia complementation group D2. Last evaluated: 2024-01-22. Review status: criteria provided, single submitter. Criteria: ACMG Guidelines, 2015. Collection method: clinical testing. Allele origin: unknown.

Fulgent Genetics
Classification: Pathogenic for Fanconi anemia complementation group D2. Last evaluated: 2024-01-11. Review status: criteria provided, single submitter. Criteria: ACMG Guidelines, 2015. Collection method: clinical testing. Allele origin: germline.

Sema4
Classification: Likely pathogenic for Fanconi anemia. Last evaluated: 2021-09-13. Review status: criteria provided, single submitter. Criteria: Sema4 Curation Guidelines. Collection method: curation. Allele origin: germline.
Comment: The FANCD2 c.1077_1078insTGGA (p.I360Wfs*8) variant has been reported in heterozygosity in at least one individual with head and neck squamous cell carcinoma and another individual with kidney cancer (PMID: 28678401, 29625052). This variant causes a frameshift at amino acid 360 that results in premature termination 8 amino acids downstream. At this location, this is predicted to cause nonsense-mediated decay and result in an absent protein (loss of function). It was observed in 1/10074 chromosomes of the Ashkenazi Jewish subpopulation in the Genome Aggregation Database (PMID: 32461654). The variant has been reported in ClinVar (Variation ID 935595). Based on the current evidence available, this variant is interpreted as likely pathogenic.

Literature cited by the submitters: PubMed 17436244 (cited by Labcorp Genetics (formerly Invitae), Labcorp); PubMed 28678401 (cited by Labcorp Genetics (formerly Invitae), Labcorp and Sema4); PubMed 29625052 (cited by Sema4).

NM_001018115.3(FANCD2):c.1077_1078insTGGA (p.Ile360fs)

Genes: FANCD2 (FA complementation group D2; plus strand), LOC107303338 (3p25 FANCD2 Alu-mediated recombination region; plus strand). Cytogenetic location: 3p25.3.
Variant type: Insertion.
Coding change: c.1077_1078insTGGA on transcript NM_001018115.3 (MANE Select); coding-DNA positions 1077 to 1078, TGGA inserted.
Protein change: p.Ile360fs; shifts the reading frame from isoleucine 360.
Molecular consequence: frameshift variant.
Genome position: GRCh38 VCF-style: chr3-10043571-C-CTGGA. GRCh37 (hg19) VCF-style: chr3-10085255-C-CTGGA.
Other names: c.1077_1078insTGGA, p.Ile360fs (NM_001319984.2, NM_001374253.1, NM_001374254.1 and 1 more transcripts); short protein forms I360fs.
Identifiers: ClinVar variation 935595 (VCV000935595.15), dbSNP rs763733996, ClinGen allele CA2249478.